The following is an entry in ClinVar:

NM_000443.4(ABCB4):c.412del (p.Trp138fs)

Gene: ABCB4 (ATP binding cassette subfamily B member 4; minus strand). Cytogenetic location: 7q21.12.
Variant type: Deletion.
Coding change: c.412del on transcript NM_000443.4 (MANE Select); coding-DNA position 412, one base deleted (T; older notation c.412delT).
Protein change: p.Trp138fs; shifts the reading frame from tryptophan 138.
Molecular consequence: frameshift variant.
Genome position (GRCh38, 1-based): chr7:87,453,068, A deleted on the plus strand (T on the coding strand, the reverse complement: ABCB4 is on the minus strand); the first of 4 consecutive A bases (chr7:87,453,068-87,453,071); deleting any one gives the same sequence. VCF-style (leftmost placement, unchanged base first): chr7-87453067-CA-C. GRCh37 (hg19) VCF-style: chr7-87082383-CA-C.
Other names: c.412del, p.Trp138fs (NM_018849.3, NM_018850.3); short protein forms W138fs.
Identifiers: ClinVar variation 5007234 (VCV005007234.2).

ClinVar aggregate classification (germline): Likely pathogenic (1 of 4 stars; one submission).

Conditions:
Progressive familial intrahepatic cholestasis type 3. Also called: MDR3 DEFICIENCY; Low Gamma-GT Familial Intrahepatic Cholestasis. Identifiers: Orphanet 79305, MedGen C1865643, MONDO:0011214, OMIM 602347.
Cholestasis, intrahepatic, of pregnancy, 3. Identifiers: Orphanet 69665, MedGen C3554241, MONDO:0013995, OMIM 614972.
Low phospholipid associated cholelithiasis (GBD1). Also called: Gallstone cholecystitis; Gallbladder disease 1. Identifiers: Orphanet 69663, MedGen C2609268, MONDO:0010939, OMIM 600803.

Submission:

Juno Genomics, Hangzhou Juno Genomics, Inc
Classification: Likely pathogenic for Cholestasis, intrahepatic, of pregnancy, 3; Progressive familial intrahepatic cholestasis type 3; Low phospholipid associated cholelithiasis. Review status: criteria provided, single submitter. Criteria: ACMG Guidelines, 2015. Collection method: clinical testing. Allele origin: germline.
Comment: Null variant in a gene where loss of function (LOF) is a known mechanism of disease.;Absent from controls (or at extremely low frequency if recessive) in Genome Aggregation Database.